The following is an entry in ClinVar:

ClinVar aggregate classification (germline): Pathogenic (1 of 4 stars; one submission).

Conditions:
Hereditary cancer-predisposing syndrome. Also called: Neoplastic Syndromes, Hereditary; Tumor predisposition; Hereditary neoplastic syndrome; Hereditary Cancer Syndrome. Identifiers: Orphanet 140162, MedGen C0027672, MeSH D009386, MONDO:0015356.
Cardiovascular phenotype. Identifiers: MedGen CN230736.

Submission:

Ambry Genetics
Classification: Pathogenic for Cardiovascular phenotype; Hereditary cancer-predisposing syndrome. Last evaluated: 2022-12-02. Review status: criteria provided, single submitter. Criteria: Ambry Variant Classification Scheme 2023. Collection method: clinical testing. Allele origin: germline.
Comment: The c.4545dupT pathogenic mutation, located in coding exon 34 of the NF1 gene, results from a duplication of T at nucleotide position 4545, causing a translational frameshift with a predicted alternate stop codon (p.D1516*). This variant is considered to be rare based on population cohorts in the Genome Aggregation Database (gnomAD). This alteration is expected to result in loss of function by premature protein truncation or nonsense-mediated mRNA decay. As such, this alteration is interpreted as a disease-causing mutation.

NM_001042492.3(NF1):c.4608dup (p.Asp1537Ter)

Gene: NF1 (neurofibromin 1; plus strand). Cytogenetic location: 17q11.2.
Variant type: Duplication.
Coding change: c.4608dup on transcript NM_001042492.3 (MANE Select); coding-DNA position 4608, one base duplicated (T; older notation c.4608dupT).
Protein change: p.Asp1537Ter; replaces aspartic acid 1537 with a stop codon.
Molecular consequence: nonsense. On other transcripts: frameshift variant (1).
Genome position (GRCh38, 1-based): chr17:31,261,741, T duplicated; the last of 4 consecutive T bases (chr17:31,261,738-31,261,741); duplicating any one gives the same sequence. VCF-style (leftmost placement, unchanged base first): chr17-31261737-C-CT. GRCh37 (hg19) VCF-style: chr17-29588755-C-CT.
Other names: c.4545dupT (NM_000267.3); c.4545dup, p.Asp1516Terfs (NM_000267.4); short protein forms D1516*, D1537*.
Identifiers: ClinVar variation 2452216 (VCV002452216.2), dbSNP rs2151466252, ClinGen allele CA2580093294.